The following is an entry in ClinVar:

NM_000135.4(FANCA):c.3729G>C (p.Arg1243Ser)

Gene: FANCA (FA complementation group A; minus strand). Cytogenetic location: 16q24.3.
Variant type: single nucleotide variant.
Coding change: c.3729G>C on transcript NM_000135.4 (MANE Select); coding-DNA position 3729, G replaced by C.
Protein change: p.Arg1243Ser; replaces arginine 1243 with serine.
Molecular consequence: missense variant.
Genome position (GRCh38, 1-based): chr16:89,742,836, C>G on the plus strand (G>C on the coding strand, the complement: FANCA is on the minus strand). VCF-style: chr16-89742836-C-G. GRCh37 (hg19) VCF-style: chr16-89809244-C-G.
Other names: c.3729G>C, p.Arg1243Ser (NM_001286167.3); short protein forms R1243S.
Identifiers: ClinVar variation 5036343 (VCV005036343.1).

ClinVar aggregate classification (germline): Uncertain significance (1 of 4 stars; one submission).

Conditions:
Inborn genetic diseases. Identifiers: MedGen C0950123, MeSH D030342.

gnomAD v4.1: 1 of 1,614,128 alleles (0.000062%); highest among the groups gnomAD compares: Admixed American, 0.0017%; no homozygotes.

Submission:

Ambry Genetics
Classification: Uncertain significance for Inborn genetic diseases. Last evaluated: 2026-07-09. Review status: criteria provided, single submitter. Criteria: Ambry Variant Classification Scheme 2023. Collection method: clinical testing. Allele origin: germline.
Comment: The p.R1243S variant (also known as c.3729G>C), located in coding exon 37 of the FANCA gene, results from a G to C substitution at nucleotide position 3729. The arginine at codon 1243 is replaced by serine, an amino acid with dissimilar properties. This amino acid position is conserved. In addition, this alteration is predicted to be tolerated by in silico analysis. Based on the available evidence, the clinical significance of this variant remains unclear.